The following is an entry in ClinVar:

ClinVar aggregate classification (germline): Uncertain significance (1 of 4 stars; one submission).

Conditions:
Kabuki syndrome 1 (KABUK1). Also called: KMT2D-Related Kabuki Syndrome. Identifiers: Orphanet 2322, MedGen CN030661, MONDO:0007843, OMIM 147920.

Submission:

Neuberg Centre For Genomic Medicine, NCGM
Classification: Uncertain significance for Kabuki syndrome 1. Last evaluated: 2023-05-20. Review status: criteria provided, single submitter. Criteria: ACMG Guidelines, 2015. Collection method: clinical testing. Allele origin: germline. Inheritance: Autosomal dominant inheritance. Affected: yes.
Comment: The observed missense c.3919A>G(p.Ser1307Gly) variant in KMT2D gene has not been reported previously as a pathogenic variant nor as a benign variant, to our knowledge. This variant is absent in gnomAD Exomes. The amino acid Ser at position 1307 is changed to a Gly changing protein sequence and it might alter its composition and physico-chemical properties. The amino acid change p.Ser1307Gly in KMT2D is predicted as conserved by GERP++ and PhyloP across 100 vertebrates. Computational evidence (Polyphen - Benign, SIFT - Tolerated, and MutationTaster - Polymorphism automatic) predicts conflicting evidence on protein structure and function for this variant. For these reasons, this variant has been classified as Uncertain Significance.

NM_003482.4(KMT2D):c.3919A>G (p.Ser1307Gly)

Genes: KMT2D (lysine methyltransferase 2D; minus strand), LOC126861520 (CDK7 strongly-dependent group 2 enhancer GRCh37_chr12:49442744-49443943; plus strand). Cytogenetic location: 12q13.12.
Variant type: single nucleotide variant.
Coding change: c.3919A>G on transcript NM_003482.4 (MANE Select); coding-DNA position 3919, A replaced by G.
Protein change: p.Ser1307Gly; replaces serine 1307 with glycine.
Molecular consequence: missense variant.
Genome position (GRCh38, 1-based): chr12:49,049,206, T>C on the plus strand (A>G on the coding strand, the complement: KMT2D is on the minus strand). VCF-style: chr12-49049206-T-C. GRCh37 (hg19) VCF-style: chr12-49442989-T-C.
Other names: short protein forms S1307G.
Identifiers: ClinVar variation 3367118 (VCV003367118.1).